The following is an entry in ClinVar:

NM_006828.4(ASCC3):c.4697G>A (p.Arg1566His)

Gene: ASCC3 (activating signal cointegrator 1 complex subunit 3; minus strand). Cytogenetic location: 6q16.3.
Variant type: single nucleotide variant.
Coding change: c.4697G>A on transcript NM_006828.4 (MANE Select); coding-DNA position 4697, G replaced by A.
Protein change: p.Arg1566His; replaces arginine 1566 with histidine.
Molecular consequence: missense variant.
Genome position (GRCh38, 1-based): chr6:100,625,280, C>T on the plus strand (G>A on the coding strand, the complement: ASCC3 is on the minus strand). VCF-style: chr6-100625280-C-T. GRCh37 (hg19) VCF-style: chr6-101073156-C-T.
Other names: short protein forms R1566H.
Identifiers: ClinVar variation 4821947 (VCV004821947.5).

ClinVar aggregate classification (germline): Uncertain significance. Review status: criteria provided, multiple submitters, no conflicts (2 of 4 stars). 2 submissions from 2 submitters: Uncertain significance (2). Last evaluated 2026-02-01.

Conditions:
Intellectual developmental disorder, autosomal recessive 81 (MRT81). Identifiers: MedGen C5882758, MONDO:0958204, OMIM 620700.

gnomAD v4.1: 15 of 1,612,808 alleles (0.00093%); highest among the groups gnomAD compares: South Asian, 0.0033%; no homozygotes.

Submissions (2):

CeGaT Center for Human Genetics Tuebingen
Classification: Uncertain significance. Last evaluated: 2026-02-01. Review status: criteria provided, single submitter. Criteria: CeGaT Center For Human Genetics Tuebingen Variant Classification Criteria Version 2. Collection method: clinical testing. Allele origin: germline. Affected: yes. Observed: 1 variant allele.
Comment: ASCC3: PM2, PP3

Juno Genomics, Hangzhou Juno Genomics, Inc
Classification: Uncertain significance for Intellectual developmental disorder, autosomal recessive 81. Review status: criteria provided, single submitter. Criteria: ACMG Guidelines, 2015. Collection method: clinical testing. Allele origin: germline.
Comment: Absent from controls (or at extremely low frequency if recessive) in Genome Aggregation Database.;Missense variant in a gene that has a low rate of benign missense variation.;Multiple lines of computational evidence support a deleterious effect on the gene or gene product.